The following is an entry in ClinVar:

ClinVar aggregate classification (germline): Uncertain significance (1 of 4 stars; one submission).

Conditions:
Hereditary cancer-predisposing syndrome. Also called: Hereditary neoplastic syndrome; Hereditary Cancer Syndrome; Neoplastic Syndromes, Hereditary; Tumor predisposition. Identifiers: Orphanet 140162, MedGen C0027672, MeSH D009386, MONDO:0015356.

Submission:

Ambry Genetics
Classification: Uncertain significance for Hereditary cancer-predisposing syndrome. Last evaluated: 2026-08-25. Review status: criteria provided, single submitter. Criteria: Ambry Variant Classification Scheme 2023. Collection method: clinical testing. Allele origin: germline.
Comment: The p.G93A variant (also known as c.278G>C), located in coding exon 1 of the VHL gene, results from a G to C substitution at nucleotide position 278. The glycine at codon 93 is replaced by alanine, an amino acid with similar properties. This variant was determined to be functionally neutral in one saturation genome editing assay (Buckley M et al. Nat Genet, 2024 Jul;56:1446-1455). This amino acid position is highly conserved in available vertebrate species. In addition, this alteration is predicted to be deleterious by in silico analysis. Based on the available evidence, the clinical significance of this variant remains unclear.

Literature cited by the submitters: PubMed 38969834.

NM_000551.4(VHL):c.278G>C (p.Gly93Ala)

Gene: VHL (von Hippel-Lindau tumor suppressor; plus strand). Cytogenetic location: 3p25.3.
Variant type: single nucleotide variant.
Coding change: c.278G>C on transcript NM_000551.4 (MANE Select); coding-DNA position 278, G replaced by C.
Protein change: p.Gly93Ala; replaces glycine 93 with alanine.
Molecular consequence: missense variant. On other transcripts: non-coding transcript variant (1).
Genome position (GRCh38, 1-based): chr3:10,142,125, G>C. VCF-style: chr3-10142125-G-C. GRCh37 (hg19) VCF-style: chr3-10183809-G-C.
Other names: c.278G>C, p.Gly93Ala (NM_001354723.2, NM_198156.3); short protein forms G93A.
Identifiers: ClinVar variation 2586593 (VCV002586593.3), dbSNP rs1553619440, ClinGen allele CA351750780.